The following is an entry in ClinVar:

ClinVar aggregate classification (germline): Benign (0 of 4 stars; one submission).

Conditions:
RIMS3-related disorder. Also called: RIMS3-related condition.

Allele frequency attached by ClinVar (database versions not stated): ESP Exome Variant Server 0.01230; 1000 Genomes Project 0.01458; 1000 Genomes Project 30x 0.01499.
gnomAD v4.1: 3,255 of 1,614,086 alleles (0.2%); highest among the groups gnomAD compares: African/African-American, 3.8%; 55 homozygotes.

Submission:

PreventionGenetics, part of Exact Sciences
Classification: Benign for RIMS3-related condition. Last evaluated: 2019-05-28. Review status: no assertion criteria provided. Collection method: clinical testing. Allele origin: germline.
Comment: This variant is classified as benign based on ACMG/AMP sequence variant interpretation guidelines (Richards et al. 2015 PMID: 25741868, with internal and published modifications).

NM_014747.3(RIMS3):c.553C>G (p.Pro185Ala)

Genes: RIMS3 (regulating synaptic membrane exocytosis 3; minus strand), LOC126805714 (CDK7 strongly-dependent group 2 enhancer GRCh37_chr1:41093974-41095173; plus strand). Cytogenetic location: 1p34.2.
Variant type: single nucleotide variant.
Coding change: c.553C>G on transcript NM_014747.3 (MANE Select); coding-DNA position 553, C replaced by G.
Protein change: p.Pro185Ala; replaces proline 185 with alanine.
Molecular consequence: missense variant.
Genome position (GRCh38, 1-based): chr1:40,629,292, G>C on the plus strand (C>G on the coding strand, the complement: RIMS3 is on the minus strand). VCF-style: chr1-40629292-G-C. GRCh37 (hg19) VCF-style: chr1-41094964-G-C.
Other names: short protein forms P185A.
Identifiers: ClinVar variation 3038872 (VCV003038872.2), dbSNP rs561024, ClinGen allele CA793792.